The following is an entry in ClinVar:

NM_004064.5(CDKN1B):c.46A>T (p.Met16Leu)

Gene: CDKN1B (cyclin dependent kinase inhibitor 1B; plus strand). Cytogenetic location: 12p13.1.
Variant type: single nucleotide variant.
Coding change: c.46A>T on transcript NM_004064.5 (MANE Select); coding-DNA position 46, A replaced by T.
Protein change: p.Met16Leu; replaces methionine 16 with leucine.
Molecular consequence: missense variant.
Genome position (GRCh38, 1-based): chr12:12,717,885, A>T. VCF-style: chr12-12717885-A-T. GRCh37 (hg19) VCF-style: chr12-12870819-A-T.
Other names: short protein forms M16L.
Identifiers: ClinVar variation 3371079 (VCV003371079.1).

ClinVar aggregate classification (germline): Uncertain significance (1 of 4 stars; one submission).

Submission:

GeneDx
Classification: Uncertain significance. Last evaluated: 2024-03-15. Review status: criteria provided, single submitter. Criteria: GeneDx Variant Classification Process June 2021. Collection method: clinical testing. Allele origin: germline. Affected: yes.
Comment: Not observed at significant frequency in large population cohorts (gnomAD); In silico analysis supports that this missense variant does not alter protein structure/function; Has not been previously published as pathogenic or benign to our knowledge